The following is an entry in ClinVar:

NM_001378414.1(HDAC4):c.788G>T (p.Arg263Ile)

Gene: HDAC4 (histone deacetylase 4; minus strand). Cytogenetic location: 2q37.3.
Variant type: single nucleotide variant.
Coding change: c.788G>T on transcript NM_001378414.1 (MANE Select); coding-DNA position 788, G replaced by T.
Protein change: p.Arg263Ile; replaces arginine 263 with isoleucine.
Molecular consequence: missense variant.
Genome position (GRCh38, 1-based): chr2:239,144,660, C>A on the plus strand (G>T on the coding strand, the complement: HDAC4 is on the minus strand). VCF-style: chr2-239144660-C-A. GRCh37 (hg19) VCF-style: chr2-240066356-C-A.
Other names: c.788G>T, p.Arg263Ile (NM_001378415.1, NM_001378416.1, NM_001378417.1 and 1 more transcripts); short protein forms R263I.
Identifiers: ClinVar variation 2847799 (VCV002847799.3), dbSNP rs2472336345, ClinGen allele CA351270945.

ClinVar aggregate classification (germline): Uncertain significance (1 of 4 stars; one submission).

Submission:

Labcorp Genetics (formerly Invitae), Labcorp
Classification: Uncertain significance. Last evaluated: 2023-03-20. Review status: criteria provided, single submitter. Criteria: Invitae Variant Classification Sherloc (09022015). Collection method: clinical testing. Allele origin: germline.
Comment: Advanced modeling of protein sequence and biophysical properties (such as structural, functional, and spatial information, amino acid conservation, physicochemical variation, residue mobility, and thermodynamic stability) performed at Invitae indicates that this missense variant is expected to disrupt HDAC4 protein function. In summary, the available evidence is currently insufficient to determine the role of this variant in disease. Therefore, it has been classified as a Variant of Uncertain Significance. This variant has not been reported in the literature in individuals affected with HDAC4-related conditions. This variant is not present in population databases (gnomAD no frequency). This sequence change replaces arginine, which is basic and polar, with isoleucine, which is neutral and non-polar, at codon 263 of the HDAC4 protein (p.Arg263Ile).